The following is an entry in ClinVar:

ClinVar aggregate classification (germline): Uncertain significance (1 of 4 stars; one submission).

Conditions:
Inborn genetic diseases. Identifiers: MedGen C0950123, MeSH D030342.

Submission:

Ambry Genetics
Classification: Uncertain significance for Inborn genetic diseases. Last evaluated: 2022-11-02. Review status: criteria provided, single submitter. Criteria: Ambry Variant Classification Scheme 2023. Collection method: clinical testing. Allele origin: germline.
Comment: The p.V483M variant (also known as c.1447G>A), located in coding exon 8 of the PIK3CA gene, results from a G to A substitution at nucleotide position 1447. The valine at codon 483 is replaced by methionine, an amino acid with highly similar properties. This amino acid position is conserved. In addition, this alteration is predicted to be tolerated by in silico analysis. Since supporting evidence is limited at this time, the clinical significance of this alteration remains unclear.

NM_006218.4(PIK3CA):c.1447G>A (p.Val483Met)

Gene: PIK3CA (phosphatidylinositol-4,5-bisphosphate 3-kinase catalytic subunit alpha; plus strand). Cytogenetic location: 3q26.32.
Variant type: single nucleotide variant.
Coding change: c.1447G>A on transcript NM_006218.4 (MANE Select); coding-DNA position 1447, G replaced by A.
Protein change: p.Val483Met; replaces valine 483 with methionine.
Molecular consequence: missense variant.
Genome position (GRCh38, 1-based): chr3:179,210,473, G>A. VCF-style: chr3-179210473-G-A. GRCh37 (hg19) VCF-style: chr3-178928261-G-A.
Other names: short protein forms V483M.
Identifiers: ClinVar variation 2453432 (VCV002453432.2), dbSNP rs991307659, ClinGen allele CA355262470.
Genomic context (GRCh38, chr3:179,210,473, plus strand): 5'-TTTTCTTCCATCTCTTAGGAAACTCCATGCTTAGAGTTGGAGTTTGACTGGTTCAGCAGT[G>A]TGGTAAAGTTCCCAGATATGTCAGTGATTGAAGAGCATGCCAATTGGTCTGTATCCCGAG-3'
Protein context (NP_006209.2, residues 473-493): LELEFDWFSS[Val483Met]VKFPDMSVIE